The following is an entry in ClinVar:

NM_003470.3(USP7):c.1124G>A (p.Gly375Glu)

Gene: USP7 (ubiquitin specific peptidase 7; minus strand). Cytogenetic location: 16p13.2.
Variant type: single nucleotide variant.
Coding change: c.1124G>A on transcript NM_003470.3 (MANE Select); coding-DNA position 1124, G replaced by A.
Protein change: p.Gly375Glu; replaces glycine 375 with glutamic acid.
Molecular consequence: missense variant. On other transcripts: non-coding transcript variant (1).
Genome position (GRCh38, 1-based): chr16:8,910,782, C>T on the plus strand (G>A on the coding strand, the complement: USP7 is on the minus strand). VCF-style: chr16-8910782-C-T. GRCh37 (hg19) VCF-style: chr16-9004639-C-T.
Other names: c.1076G>A, p.Gly359Glu (NM_001286457.2); c.827G>A, p.Gly276Glu (NM_001286458.2); c.950G>A, p.Gly317Glu (NM_001321858.2); short protein forms G276E, G317E, G359E, G375E.
Identifiers: ClinVar variation 2431807 (VCV002431807.1), dbSNP rs2549235478, ClinGen allele CA394703152.
Genomic context (GRCh38, chr16:8,910,782, plus strand): 5'-CTAGCACAAAACACTCAATTTACCTGTAAGCCATGTTCCCCAGCGTCGTATTTATTGTCC[C>T]CATCGAGCTGTTCTACTGCCACATAATCCACAAATGATTCAAATACTTTAAAGAGAGAGA-3'
Protein context (NP_003461.2, residues 365-385): VDYVAVEQLD[Gly375Glu]DNKYDAGEHG

ClinVar aggregate classification (germline): Uncertain significance (1 of 4 stars; one submission).

Conditions:
Hao-Fountain syndrome (HAFOUS). Identifiers: Orphanet 643549, MedGen C5393908, MONDO:0014805.

Submission:

Laboratorio de Genetica e Diagnostico Molecular, Hospital Israelita Albert Einstein
Classification: Uncertain significance for Hao-Fountain syndrome due to USP7 mutation. Last evaluated: 2022-10-04. Review status: criteria provided, single submitter. Criteria: ACMG Guidelines, 2015. Collection method: clinical testing. Allele origin: germline. Affected: yes. Observed: 1 variant allele.
Comment: ACMG classification criteria: PM2 moderated, PP2 supporting